The following is an entry in ClinVar:

ClinVar aggregate classification (germline): Likely pathogenic (1 of 4 stars; one submission).

Submission:

Labcorp Genetics (formerly Invitae), Labcorp
Classification: Likely pathogenic. Last evaluated: 2021-03-17. Review status: criteria provided, single submitter. Criteria: Invitae Variant Classification Sherloc (09022015). Collection method: clinical testing. Allele origin: germline.
Comment: This sequence change replaces arginine with proline at codon 1493 of the ABCC8 protein (p.Arg1493Pro). The arginine residue is highly conserved and there is a moderate physicochemical difference between arginine and proline. This variant is not present in population databases (ExAC no frequency). This variant has not been reported in the literature in individuals with ABCC8-related conditions. Advanced modeling of protein sequence and biophysical properties (such as structural, functional, and spatial information, amino acid conservation, physicochemical variation, residue mobility, and thermodynamic stability) performed at Invitae indicates that this missense variant is expected to disrupt ABCC8 protein function. This variant disrupts the p.Arg1493 amino acid residue in ABCC8. Other variant(s) that disrupt this residue have been determined to be pathogenic (PMID: 9769320, 15579781, 30186238). This suggests that this residue is clinically significant, and that variants that disrupt this residue are likely to be disease-causing. In summary, the currently available evidence indicates that the variant is pathogenic, but additional data are needed to prove that conclusively. Therefore, this variant has been classified as Likely Pathogenic.

Literature cited by the submitters: PubMed 9769320; PubMed 15579781; PubMed 30186238.

NM_000352.6(ABCC8):c.4478G>C (p.Arg1493Pro)

Gene: ABCC8 (ATP binding cassette subfamily C member 8; minus strand). Cytogenetic location: 11p15.1.
Variant type: single nucleotide variant.
Coding change: c.4478G>C on transcript NM_000352.6 (MANE Select); coding-DNA position 4478, G replaced by C.
Protein change: p.Arg1493Pro; replaces arginine 1493 with proline.
Molecular consequence: missense variant. On other transcripts: non-coding transcript variant (1).
Genome position (GRCh38, 1-based): chr11:17,394,333, C>G on the plus strand (G>C on the coding strand, the complement: ABCC8 is on the minus strand). VCF-style: chr11-17394333-C-G. GRCh37 (hg19) VCF-style: chr11-17415880-C-G.
Other names: c.4481G>C, p.Arg1494Pro (NM_001287174.3); c.4544G>C, p.Arg1515Pro (NM_001351295.2); c.4478G>C, p.Arg1493Pro (NM_001351296.2); c.4475G>C, p.Arg1492Pro (NM_001351297.2); short protein forms R1493P, R1492P, R1494P, R1515P.
Identifiers: ClinVar variation 1487680 (VCV001487680.8), dbSNP rs746480424, ClinGen allele CA379783225.